The following is an entry in ClinVar:

NM_001384140.1(PCDH15):c.2868+5del

Gene: PCDH15 (protocadherin related 15; minus strand). Cytogenetic location: 10q21.1.
Variant type: Deletion.
Coding change: c.2868+5del on transcript NM_001384140.1 (MANE Select); 5 bases into the intron after coding-DNA position 2868, one base deleted (G; older notation c.2868+5delG).
Molecular consequence: intron variant. On other transcripts: frameshift variant (1).
Genome position (GRCh38, 1-based): chr10:53,995,644, C deleted on the plus strand (G on the coding strand, the reverse complement: PCDH15 is on the minus strand). VCF-style (leftmost placement, unchanged base first): chr10-53995643-AC-A. GRCh37 (hg19) VCF-style: chr10-55755403-AC-A.
Other names: c.2873del, p.Ser958fs (NM_001354430.2); c.2868+5del (NM_001354420.2, NM_001354429.2, NM_001142772.2 and 4 more transcripts); c.2883+5del (NM_001142771.2, NM_001142763.2); c.2889+5del (NM_001354411.2); c.2904+5del (NM_001142769.3); c.2802+5del (NM_001354404.2, NM_001142773.2, NM_001142768.2); c.2757+5del (NM_001142767.2); c.2655+5del (NM_001142765.2); short protein forms S958fs.
Identifiers: ClinVar variation 1517649 (VCV001517649.4), dbSNP rs2134900862, ClinGen allele CA2573145124.

ClinVar aggregate classification (germline): Uncertain significance. Review status: criteria provided, multiple submitters, no conflicts (2 of 4 stars). 2 submissions from 2 submitters: Uncertain significance (2). Last evaluated 2024-03-13.

Submissions (2):

Blueprint Genetics
Classification: Uncertain significance. Last evaluated: 2024-03-13. Review status: criteria provided, single submitter. Criteria: ACMG Guidelines, 2015. Collection method: clinical testing. Allele origin: germline.

Labcorp Genetics (formerly Invitae), Labcorp
Classification: Uncertain significance. Last evaluated: 2022-06-05. Review status: criteria provided, single submitter. Criteria: Invitae Variant Classification Sherloc (09022015). Collection method: clinical testing. Allele origin: germline.
Comment: This sequence change falls in intron 21 of the PCDH15 gene. It does not directly change the encoded amino acid sequence of the PCDH15 protein. It affects a nucleotide within the consensus splice site. This variant is not present in population databases (gnomAD no frequency). This variant has not been reported in the literature in individuals affected with PCDH15-related conditions. ClinVar contains an entry for this variant (Variation ID: 1517649). Variants that disrupt the consensus splice site are a relatively common cause of aberrant splicing (PMID: 17576681, 9536098). Algorithms developed to predict the effect of sequence changes on RNA splicing suggest that this variant may disrupt the consensus splice site. In summary, the available evidence is currently insufficient to determine the role of this variant in disease. Therefore, it has been classified as a Variant of Uncertain Significance.

Literature cited by the submitters: PubMed 17576681 (cited by Labcorp Genetics (formerly Invitae), Labcorp); PubMed 9536098 (cited by Labcorp Genetics (formerly Invitae), Labcorp).